The following is an entry in ClinVar:

ClinVar aggregate classification (germline): Pathogenic (1 of 4 stars; one submission).

Conditions:
Cardiac arrhythmia. Also called: Arrhythmia; Cardiac rhythm disease. Identifiers: MedGen C0003811, MONDO:0007263, HP:0011675.

Submission:

Women's Health and Genetics/Laboratory Corporation of America, LabCorp
Classification: Pathogenic for Cardiac arrhythmia. Last evaluated: 2026-05-27. Review status: criteria provided, single submitter. Criteria: LabCorp Variant Classification Summary - May 2015. Collection method: clinical testing. Allele origin: germline.
Comment: Variant summary: KCNH2 c.921delC (p.Met308CysfsX52) results in a premature termination codon, predicted to cause a truncation of the encoded protein or absence of the protein due to nonsense mediated decay, which are commonly known mechanisms for disease. The variant was absent in 249876 control chromosomes. To our knowledge, no occurrence of c.921delC in individuals affected with KCNH2-related conditions and no experimental evidence demonstrating its impact on protein function have been reported. No submitters have cited clinical-significance assessments for this variant to ClinVar. Based on the evidence outlined above, the variant was classified as pathogenic.

NM_000238.4(KCNH2):c.921del (p.Met308fs)

Gene: KCNH2 (potassium voltage-gated channel subfamily H member 2; minus strand). Cytogenetic location: 7q36.1.
Variant type: Deletion.
Coding change: c.921del on transcript NM_000238.4 (MANE Select); coding-DNA position 921, one base deleted (C; older notation c.921delC).
Protein change: p.Met308fs; shifts the reading frame from methionine 308.
Molecular consequence: frameshift variant. On other transcripts: non-coding transcript variant (1).
Genome position (GRCh38, 1-based): chr7:150,957,498, G deleted on the plus strand (C on the coding strand, the reverse complement: KCNH2 is on the minus strand); the first of 2 consecutive G bases (chr7:150,957,498-150,957,499); deleting either gives the same sequence. VCF-style (leftmost placement, unchanged base first): chr7-150957497-TG-T. GRCh37 (hg19) VCF-style: chr7-150654585-TG-T.
Other names: c.633del, p.Met212fs (NM_001406753.1, NM_001406756.1); c.744del, p.Met249fs (NM_001406755.1); c.621del, p.Met208fs (NM_001406757.1); c.921del, p.Met308fs (NM_172056.3); c.921delC (NM_000238.4); short protein forms M208fs, M212fs, M249fs, M308fs.
Identifiers: ClinVar variation 4853656 (VCV004853656.1).